The following is an entry in ClinVar:

ClinVar aggregate classification (germline): Uncertain significance (1 of 4 stars; one submission).

Conditions:
Hypertrichotic osteochondrodysplasia Cantu type. Also called: Cantú Syndrome; Cantu Syndrome. Identifiers: Orphanet 1517, MedGen C0795905, MONDO:0009406, OMIM 239850.

Submission:

MVZ Medizinische Genetik Mainz
Classification: Uncertain significance for Hypertrichotic osteochondrodysplasia Cantu type. Last evaluated: 2024-02-19. Review status: criteria provided, single submitter. Criteria: UK Practice Guidelines For Variant Classification V4 01 2020. Collection method: clinical testing. Allele origin: germline. Inheritance: Autosomal dominant inheritance. Affected: yes. Observed: 1 variant allele.
Comment: ACMG Criteria: PP3_MOD,PM2_SUP,PP2

NM_020297.4(ABCC9):c.4512+687C>A

Genes: ABCC9 (ATP binding cassette subfamily C member 9; minus strand), KCNJ8-AS1 (KCNJ8 antisense RNA 1; plus strand). Cytogenetic location: 12p12.1.
Variant type: single nucleotide variant.
Coding change: c.4512+687C>A on transcript NM_020297.4 (MANE Select); 687 bases into the intron after coding-DNA position 4512, C replaced by A.
Molecular consequence: intron variant. On other transcripts: missense variant (1).
Genome position (GRCh38, 1-based): chr12:21,805,311, G>T on the plus strand (C>A on the coding strand, the complement: ABCC9 is on the minus strand). VCF-style: chr12-21805311-G-T. GRCh37 (hg19) VCF-style: chr12-21958245-G-T.
Other names: c.4513C>A, p.His1505Asn (NM_005691.4); c.3645+687C>A (NM_001377274.1); c.4512+687C>A (NM_001377273.1); short protein forms H1505N.
Identifiers: ClinVar variation 3066272 (VCV003066272.1), dbSNP rs2540792486, ClinGen allele CA384129706.